The following is an entry in ClinVar:

ClinVar aggregate classification (germline): Uncertain significance (1 of 4 stars; one submission).

Conditions:
Bardet-Biedl syndrome 1 (BBS1). Identifiers: MedGen C2936862, MONDO:0008854, OMIM 209900. Disease mechanism: loss of function.
Bardet-Biedl syndrome (BBS). Identifiers: Orphanet 110, MedGen C0752166, MONDO:0015229.

Allele frequency attached by ClinVar (database versions not stated): ExAC 0.00002; gnomAD exomes 0.00001.
gnomAD v4.1: 3 of 1,612,078 alleles (0.00019%); highest among the groups gnomAD compares: East Asian, 0.0022%; no homozygotes.

Submission:

Labcorp Genetics (formerly Invitae), Labcorp
Classification: Uncertain significance for Bardet-Biedl syndrome. Last evaluated: 2022-03-23. Review status: criteria provided, single submitter. Criteria: Invitae Variant Classification Sherloc (09022015). Collection method: clinical testing. Allele origin: germline.
Comment: This sequence change replaces valine, which is neutral and non-polar, with alanine, which is neutral and non-polar, at codon 324 of the BBS1 protein (p.Val324Ala). In summary, the available evidence is currently insufficient to determine the role of this variant in disease. Therefore, it has been classified as a Variant of Uncertain Significance. Algorithms developed to predict the effect of missense changes on protein structure and function (SIFT, PolyPhen-2, Align-GVGD) all suggest that this variant is likely to be tolerated. This variant has not been reported in the literature in individuals affected with BBS1-related conditions. This variant is present in population databases (rs747686856, gnomAD 0.002%).

NM_024649.5(BBS1):c.971T>C (p.Val324Ala)

Genes: BBS1 (Bardet-Biedl syndrome 1; plus strand), ZDHHC24 (zDHHC palmitoyltransferase 24; minus strand). Cytogenetic location: 11q13.2.
Variant type: single nucleotide variant.
Coding change: c.971T>C on transcript NM_024649.5 (MANE Select); coding-DNA position 971, T replaced by C.
Protein change: p.Val324Ala; replaces valine 324 with alanine.
Molecular consequence: missense variant. On other transcripts: intron variant (1).
Genome position (GRCh38, 1-based): chr11:66,523,743, T>C. VCF-style: chr11-66523743-T-C. GRCh37 (hg19) VCF-style: chr11-66291214-T-C.
Other names: c.*22-2277A>G (NM_001348571.2); short protein forms V324A.
Identifiers: ClinVar variation 2191410 (VCV002191410.4), dbSNP rs747686856, ClinGen allele CA6123580.